The following is an entry in ClinVar:

ClinVar aggregate classification (germline): Likely pathogenic. Review status: criteria provided, multiple submitters, no conflicts (2 of 4 stars). 3 submissions from 3 submitters: Likely pathogenic (2). 1 of the submissions does not count toward it. Last evaluated 2023-12-19.

Conditions:
Dyskinesia with orofacial involvement, autosomal dominant (DSKOD). Also called: Dyskinesia, familial, with facial myokymia; Familial dyskinesia and facial myokymia; Familial Dyskinesia with Facial Myokymia (FDFM). Identifiers: Orphanet 324588, MedGen C1847627, MONDO:0800028, OMIM 606703.
ADCY5-related disorder. Also called: ADCY5-related condition.

Submissions (3):

Blueprint Genetics
Classification: Likely pathogenic for ADCY5-related disorders. Last evaluated: 2023-12-19. Review status: criteria provided, single submitter. Criteria: ACMG Guidelines, 2015. Collection method: clinical testing. Allele origin: germline. Affected: yes. Observed: 1 variant allele.

Laboratory Cellgenetics, GMDL Cellgenetics
Classification: Likely pathogenic for Dyskinesia with orofacial involvement, autosomal dominant. Last evaluated: 2022-09-30. Review status: criteria provided, single submitter. Criteria: ACMG Guidelines, 2015. Collection method: clinical testing. Allele origin: paternal. Inheritance: Autosomal dominant inheritance. Affected: yes. Observed: 1 variant allele, 1 heterozygote.
Comment: PS4_Supporting, PM2, PP2, PP3, PP4

OMIM
Classification: Pathogenic for DYSKINESIA WITH OROFACIAL INVOLVEMENT, AUTOSOMAL DOMINANT. Last evaluated: 2021-12-09. Review status: no assertion criteria provided. Collection method: literature only. Allele origin: germline. Not counted in ClinVar's aggregate classification.

Literature cited by the submitters: PubMed 27931826 (cited by OMIM).

NM_183357.3(ADCY5):c.3045C>A (p.Asp1015Glu)

Gene: ADCY5 (adenylate cyclase 5; minus strand). Cytogenetic location: 3q21.1.
Variant type: single nucleotide variant.
Coding change: c.3045C>A on transcript NM_183357.3 (MANE Select); coding-DNA position 3045, C replaced by A.
Protein change: p.Asp1015Glu; replaces aspartic acid 1015 with glutamic acid.
Molecular consequence: missense variant.
Genome position (GRCh38, 1-based): chr3:123,296,102, G>T on the plus strand (C>A on the coding strand, the complement: ADCY5 is on the minus strand). VCF-style: chr3-123296102-G-T. GRCh37 (hg19) VCF-style: chr3-123014949-G-T.
Other names: c.1995C>A, p.Asp665Glu (NM_001199642.1); c.3120C>A, p.Asp1040Glu (NM_001378259.1); short protein forms D1015E, D1040E, D665E.
Identifiers: ClinVar variation 1327477 (VCV001327477.3), dbSNP rs1007363034, ClinGen allele CA354224040.